The following is an entry in ClinVar:

ClinVar aggregate classification (germline): Uncertain significance. Review status: criteria provided, single submitter (1 of 4 stars). 2 submissions from 2 submitters: Uncertain significance (1). 1 of the submissions does not count toward it. Last evaluated 2020-07-22.

Conditions:
3-methylglutaconic aciduria type 9. Also called: 3-METHYLGLUTACONIC ACIDURIA, TYPE IX. Identifiers: Orphanet 505216, MedGen C4540171, MONDO:0044724, OMIM 617698.

Allele frequency attached by ClinVar (database versions not stated): gnomAD exomes below 0.00001 and 0.00001.

Submissions (2):

Labcorp Genetics (formerly Invitae), Labcorp
Classification: Uncertain significance. Last evaluated: 2020-07-22. Review status: criteria provided, single submitter. Criteria: Invitae Variant Classification Sherloc (09022015). Collection method: clinical testing. Allele origin: germline.
Comment: In summary, the available evidence is currently insufficient to determine the role of this variant in disease. Therefore, it has been classified as a Variant of Uncertain Significance. This variant has been reported to have conflicting or insufficient data to determine the effect on TIMM50 protein function (PMID: 27573165). This variant has been observed in individual(s) with clinical features of epileptic encephalopathy (PMID: 27573165). It has also been observed to segregate with disease in related individuals. ClinVar contains an entry for this variant (Variation ID: 440793). This variant is not present in population databases (ExAC no frequency). This sequence change replaces arginine with tryptophan at codon 217 of the TIMM50 protein (p.Arg217Trp). The arginine residue is highly conserved and there is a moderate physicochemical difference between arginine and tryptophan.

OMIM
Classification: Pathogenic for 3-METHYLGLUTACONIC ACIDURIA, TYPE IX. Last evaluated: 2021-02-01. Review status: no assertion criteria provided. Collection method: literature only. Allele origin: germline. Not counted in ClinVar's aggregate classification.

Literature cited by the submitters: PubMed 27573165 (cited by Labcorp Genetics (formerly Invitae), Labcorp); Shahrour, M. A., Staretz-Chacham , O., Dayan, D., Stephen, J., Weech, A., Damseh, N., Pri Chen, H., Edvardson, S., Mazaheri, S., Saada, A., NISC Intramural Sequencing, Hershkovitz, E., and 9 others Mitochondrial epileptic encephalopathy, 3-methylglutaconic aciduria and variable complex V deficiency associated with TIMM50 mutations. Clin. Genet. 91: 690-696, 2017. (cited by OMIM).

NM_001001563.5(TIMM50):c.340C>T (p.Arg114Trp)

Gene: TIMM50 (translocase of inner mitochondrial membrane 50; plus strand). Cytogenetic location: 19q13.2.
Variant type: single nucleotide variant.
Coding change: c.340C>T on transcript NM_001001563.5 (MANE Select); coding-DNA position 340, C replaced by T.
Protein change: p.Arg114Trp; replaces arginine 114 with tryptophan.
Molecular consequence: missense variant. On other transcripts: intron variant (1).
Genome position (GRCh38, 1-based): chr19:39,485,570, C>T. VCF-style: chr19-39485570-C-T. GRCh37 (hg19) VCF-style: chr19-39976210-C-T.
Other names: R217W; c.34-118C>T (NM_001329559.2); short protein forms R114W.
Identifiers: ClinVar variation 440793 (VCV000440793.12), dbSNP rs1300848445, ClinGen allele CA405787085.
Genomic context (GRCh38, chr19:39,485,570, plus strand): 5'-TTGTGGAATCTCTTTGTGCCTGGTGTTCTCCTAGATCCAATTCTGGTACAGCAGTTGCGC[C>T]GGACATACAAATATTTCAAAGATTATAGACAGGTGAGCAGAAGCCCTGGGCTCAGTCCCC-3'
Protein context (NP_001001563.2, residues 104-124): NDPILVQQLR[Arg114Trp]TYKYFKDYRQ